The following is an entry in ClinVar:

NM_031220.4(PITPNM3):c.1300T>C (p.Phe434Leu)

Gene: PITPNM3 (PITPNM family member 3; minus strand). Cytogenetic location: 17p13.2.
Variant type: single nucleotide variant.
Coding change: c.1300T>C on transcript NM_031220.4 (MANE Select); coding-DNA position 1300, T replaced by C.
Protein change: p.Phe434Leu; replaces phenylalanine 434 with leucine.
Molecular consequence: missense variant.
Genome position (GRCh38, 1-based): chr17:6,472,786, A>G on the plus strand (T>C on the coding strand, the complement: PITPNM3 is on the minus strand). VCF-style: chr17-6472786-A-G. GRCh37 (hg19) VCF-style: chr17-6376106-A-G.
Other names: c.1192T>C, p.Phe398Leu (NM_001165966.2); short protein forms F398L, F434L.
Identifiers: ClinVar variation 4744048 (VCV004744048.1).
Genomic context (GRCh38, chr17:6,472,786, plus strand): 5'-GGTGGAACTTGGGCTCCAGCAGTGGCTCGAGCCGTGAGGCAGAGGGGTCTGCGCAATGGA[A>G]GAAGCTGTAGACCTGGCTGCAGGCAGGACGCACCTGGAAGCCTGGGGTGAGTGGGAAGAC-3'
Protein context (NP_112497.2, residues 424-444): RPACSQVYSF[Phe434Leu]HCADPSASRL

ClinVar aggregate classification (germline): Uncertain significance (1 of 4 stars; one submission).

Submission:

Labcorp Genetics (formerly Invitae), Labcorp
Classification: Uncertain significance. Last evaluated: 2025-03-20. Review status: criteria provided, single submitter. Criteria: Invitae Variant Classification Sherloc (09022015). Collection method: clinical testing. Allele origin: germline.
Comment: This sequence change replaces phenylalanine, which is neutral and non-polar, with leucine, which is neutral and non-polar, at codon 434 of the PITPNM3 protein (p.Phe434Leu). This variant is not present in population databases (gnomAD no frequency). This variant has not been reported in the literature in individuals affected with PITPNM3-related conditions. Invitae Evidence Modeling of protein sequence and biophysical properties (such as structural, functional, and spatial information, amino acid conservation, physicochemical variation, residue mobility, and thermodynamic stability) indicates that this missense variant is expected to disrupt PITPNM3 protein function with a positive predictive value of 80%. In summary, the available evidence is currently insufficient to determine the role of this variant in disease. Therefore, it has been classified as a Variant of Uncertain Significance.